The following is an entry in ClinVar:

NM_000138.5(FBN1):c.2028_2029insA (p.Ala677fs)

Gene: FBN1 (fibrillin 1; minus strand). Cytogenetic location: 15q21.1.
Variant type: Insertion.
Coding change: c.2028_2029insA on transcript NM_000138.5 (MANE Select); coding-DNA positions 2028 to 2029, A inserted.
Protein change: p.Ala677fs; shifts the reading frame from alanine 677.
Molecular consequence: frameshift variant.
Genome position: GRCh38 VCF-style: chr15-48503871-C-CT. GRCh37 (hg19) VCF-style: chr15-48796068-C-CT.
Other names: short protein forms A677fs.
Identifiers: ClinVar variation 406278 (VCV000406278.7), dbSNP rs1060501027, ClinGen allele CA16614828.

ClinVar aggregate classification (germline): Pathogenic. Review status: criteria provided, single submitter (1 of 4 stars). 2 submissions from 1 submitter: Pathogenic (2). Last evaluated 2020-01-15.

Conditions:
Marfan syndrome (MFS). Also called: Marfan syndrome, classic; Marfan syndrome type 1; Marfan's syndrome; MARFAN SYNDROME, TYPE I; FBN1-Related Marfan Syndrome. Identifiers: Orphanet 284963, Orphanet 558, MedGen C0024796, MONDO:0007947, OMIM 154700.
Familial thoracic aortic aneurysm and aortic dissection (TAAD). Also called: Thoracic aortic aneurysms and dissections. Identifiers: Orphanet 91387, MedGen C4707243, MONDO:0019625.

Submissions (2):

Labcorp Genetics (formerly Invitae), Labcorp
Classification: Pathogenic for Marfan syndrome; Familial thoracic aortic aneurysm and aortic dissection. Last evaluated: 2020-01-15. Review status: criteria provided, single submitter. Criteria: Invitae Variant Classification Sherloc (09022015). Collection method: clinical testing. Allele origin: germline.
Comment: This sequence change creates a premature translational stop signal (p.Ala677Serfs*4) in the FBN1 gene. It is expected to result in an absent or disrupted protein product. This variant is not present in population databases (ExAC no frequency). For these reasons, this variant has been classified as Pathogenic. Loss-of-function variants in FBN1 are known to be pathogenic (PMID: 17657824, 19293843). Algorithms developed to predict the effect of sequence changes on RNA splicing suggest that this variant may create or strengthen a splice site, but this prediction has not been confirmed by published transcriptional studies. This variant has not been reported in the literature in individuals with FBN1-related conditions. ClinVar contains an entry for this variant (Variation ID: 406278).

Labcorp Genetics (formerly Invitae), Labcorp
Classification: Pathogenic for Marfan syndrome. Last evaluated: 2016-10-12. Review status: criteria provided, single submitter. Criteria: Invitae Variant Classification Sherloc (09022015). Collection method: clinical testing. Allele origin: germline.
Comment: This sequence change inserts 1 nucleotide in exon 17 of the FBN1 mRNA (c.2028_2029insA), causing a frameshift at codon 677. This creates a premature translational stop signal (p.Ala677Serfs*4) and is expected to result in an absent or disrupted protein product. While this particular variant has not been reported in the literature, loss-of-function variants in FBN1 are known to be pathogenic (PMID: 17657824, 19293843). For these reasons, this variant has been classified as Pathogenic.

Literature cited by the submitters: PubMed 17657824; PubMed 19293843.